The following is an entry in ClinVar:

NM_001364564.1(SALL2):c.488C>A (p.Pro163Gln)

Gene: SALL2 (spalt like transcription factor 2; minus strand). Cytogenetic location: 14q11.2.
Variant type: single nucleotide variant.
Coding change: c.488C>A on transcript NM_001364564.1 (MANE Select); coding-DNA position 488, C replaced by A.
Protein change: p.Pro163Gln; replaces proline 163 with glutamine.
Molecular consequence: missense variant. On other transcripts: intron variant (2).
Genome position (GRCh38, 1-based): chr14:21,525,234, G>T on the plus strand (C>A on the coding strand, the complement: SALL2 is on the minus strand). VCF-style: chr14-21525234-G-T. GRCh37 (hg19) VCF-style: chr14-21993368-G-T.
Other names: c.494C>A, p.Pro165Gln (NM_005407.3); c.391+103C>A (NM_001291446.2); c.385+103C>A (NM_001291447.2); c.494C>A (NM_005407.1); short protein forms P165Q, P163Q.
Identifiers: ClinVar variation 1924294 (VCV001924294.6), dbSNP rs768399446, ClinGen allele CA7093839.
Genomic context (GRCh38, chr14:21,525,234, plus strand): 5'-TCTTCCAAGATCAGGGGGATATTCAAGTGGCCACTGCCTACCCCTGGGGGCGGAGGGGGT[G>T]GTGGAGGAGGAGGGGGTGCAGGGGTCGATTCTGGAGGTAATGGGGTTGCTCCCAGCTTGG-3'
Protein context (NP_001351493.1, residues 153-173): ESTPAPPPPP[Pro163Gln]PPPPPGVGSG

ClinVar aggregate classification (germline): Uncertain significance. Review status: criteria provided, multiple submitters, no conflicts (2 of 4 stars). 2 submissions from 2 submitters: Uncertain significance (2). Last evaluated 2025-05-25.

Allele frequency attached by ClinVar (database versions not stated): ExAC 0.00001; gnomAD 0.00003; TOPMed 0.00003.
gnomAD v4.1: 85 of 1,612,556 alleles (0.0053%); highest among the groups gnomAD compares: Non-Finnish European, 0.0068%; no homozygotes.

Submissions (2):

Ambry Genetics
Classification: Uncertain significance. Last evaluated: 2025-05-25. Review status: criteria provided, single submitter. Criteria: Ambry Variant Classification Scheme 2023. Collection method: clinical testing. Allele origin: germline.

Labcorp Genetics (formerly Invitae), Labcorp
Classification: Uncertain significance. Last evaluated: 2022-08-10. Review status: criteria provided, single submitter. Criteria: Invitae Variant Classification Sherloc (09022015). Collection method: clinical testing. Allele origin: germline.
Comment: In summary, the available evidence is currently insufficient to determine the role of this variant in disease. Therefore, it has been classified as a Variant of Uncertain Significance. Algorithms developed to predict the effect of missense changes on protein structure and function are either unavailable or do not agree on the potential impact of this missense change (SIFT: "Deleterious"; PolyPhen-2: "Probably Damaging"; Align-GVGD: "Class C0"). This variant has not been reported in the literature in individuals affected with SALL2-related conditions. This variant is present in population databases (rs768399446, gnomAD 0.004%). This sequence change replaces proline, which is neutral and non-polar, with glutamine, which is neutral and polar, at codon 165 of the SALL2 protein (p.Pro165Gln).